The following is an entry in ClinVar:

ClinVar aggregate classification (germline): VUS-mid (1 of 4 stars; one submission).

Conditions:
X-linked hydrocephalus syndrome (HYCX). Also called: AQUEDUCTAL STENOSIS, X-LINKED; X-Linked Hydrocephalus with Stenosis of the Aqueduct of Sylvius; X-linked hydrocephalus; X-Linked Hydrocephalus with Stenosis of the Aqueduct of Sylvius (HSAS); HYDROCEPHALUS, CONGENITAL, X-LINKED. Identifiers: Orphanet 2182, MedGen C0265216, MONDO:0010611, OMIM 307000.

gnomAD v4.1: 1 of 1,210,933 alleles (0.000083%); highest among the groups gnomAD compares: Non-Finnish European, 0.00011%; no homozygotes.

Submission:

Centre for Medical Genetics,  Mumbai
Classification: VUS-mid for X-linked hydrocephalus syndrome. Last evaluated: 2026-04-15. Review status: criteria provided, single submitter. Criteria: ACMG Guidelines, 2015. Collection method: provider interpretation. Allele origin: germline. Inheritance: X-linked recessive inheritance. Affected: yes. Observed: 1 variant allele, 1 homozygote.
Comment: The variant satisfies PM2 criteria - extremely low frequency in gnomAD population databases. The variant satisfies BS2 criteria - observed in a homozygous state in population databases more than expected for disease. The variant satisfies PP3 criteria - for a missense or a splicing region variant, computational prediction tools unanimously support a deleterious effect on the gene. However, there is a lack of sufficient clinical evidence. According to the Bayesian framework, the variant should be considered as a variant of uncertain significance.

Literature cited by the submitters: PubMed 1303258.

NM_001278116.2(L1CAM):c.91+5G>C

Gene: L1CAM (L1 cell adhesion molecule; minus strand). Cytogenetic location: Xq28.
Variant type: single nucleotide variant.
Coding change: c.91+5G>C on transcript NM_001278116.2 (MANE Select); 5 bases into the intron after coding-DNA position 91, G replaced by C.
Molecular consequence: intron variant.
Genome position (GRCh38, 1-based): chrX:153,873,223, C>G on the plus strand (G>C on the coding strand, the complement: L1CAM is on the minus strand). VCF-style: chrX-153873223-C-G. GRCh37 (hg19) VCF-style: chrX-153138678-C-G.
Other names: c.77-526G>C (NM_001143963.2); c.91+5G>C (NM_024003.3, NM_000425.5).
Identifiers: ClinVar variation 4851383 (VCV004851383.1).